The following is an entry in ClinVar:

NM_004385.5(VCAN):c.10186_10189dup (p.Ter3397SerextTer?)

Gene: VCAN (versican; plus strand). Cytogenetic location: 5q14.3.
Variant type: Duplication.
Coding change: c.10186_10189dup on transcript NM_004385.5 (MANE Select); coding-DNA positions 10186 to 10189, 4 bases duplicated (CGCT; older notation c.10186_10189dupCGCT).
Protein change: p.Ter3397SerextTer?.
Molecular consequence: frameshift variant, stop lost.
Genome position (GRCh38, 1-based): chr5:83,580,429-83,580,432, CGCT duplicated. VCF-style (leftmost placement, unchanged base first): chr5-83580428-G-GCGCT. GRCh37 (hg19) VCF-style: chr5-82876247-G-GCGCT.
Other names: c.1963_1966dup, p.Ter656SerextTer? (NM_001126336.3); c.7225_7228dup, p.Ter2410SerextTer? (NM_001164097.2); c.4924_4927dup, p.Ter1643SerextTer? (NM_001164098.2).
Identifiers: ClinVar variation 1501374 (VCV001501374.6), dbSNP rs2112511542, ClinGen allele CA2573140071.
Genomic context (GRCh38, chr5:83,580,428, plus strand): 5'-CAATTCAATAAATACATCCAAACATGATCATCGTTGGAGCCGGAGGTGGCAGGAGTCGAG[G>GCGCT]CGCTGATCCCTAAAATGGCGAACATGTGTTTTCATCATTTCAGCCAAAGTCCTAACTTCC-3'

ClinVar aggregate classification (germline): Uncertain significance (1 of 4 stars; one submission).

Submission:

Labcorp Genetics (formerly Invitae), Labcorp
Classification: Uncertain significance. Last evaluated: 2022-03-10. Review status: criteria provided, single submitter. Criteria: Invitae Variant Classification Sherloc (09022015). Collection method: clinical testing. Allele origin: germline.
Comment: Experimental studies and prediction algorithms are not available or were not evaluated, and the functional significance of this variant is currently unknown. In summary, the available evidence is currently insufficient to determine the role of this variant in disease. Therefore, it has been classified as a Variant of Uncertain Significance. This variant has not been reported in the literature in individuals affected with VCAN-related conditions. This variant is not present in population databases (gnomAD no frequency). This sequence change disrupts the translational stop signal of the VCAN mRNA. It is expected to extend the length of the VCAN protein by 29 additional amino acid residues.